The following is an entry in ClinVar:

ClinVar aggregate classification (germline): Uncertain significance (1 of 4 stars; one submission).

Conditions:
Cardiovascular phenotype. Identifiers: MedGen CN230736.

gnomAD v4.1: 1 of 1,612,430 alleles (0.000062%); highest among the groups gnomAD compares: African/African-American, 0.0013%; no homozygotes.

Submission:

Ambry Genetics
Classification: Uncertain significance for Cardiovascular phenotype. Last evaluated: 2026-09-12. Review status: criteria provided, single submitter. Criteria: Ambry Variant Classification Scheme 2023. Collection method: clinical testing. Allele origin: germline.
Comment: The p.I265V variant (also known as c.793A>G), located in coding exon 11 of the TXNRD2 gene, results from an A to G substitution at nucleotide position 793. The isoleucine at codon 265 is replaced by valine, an amino acid with highly similar properties. This amino acid position is conserved. In addition, this alteration is predicted to be tolerated by in silico analysis. Based on the available evidence, the clinical significance of this variant remains unclear.

NM_006440.5(TXNRD2):c.793A>G (p.Ile265Val)

Gene: TXNRD2 (thioredoxin reductase 2; minus strand). Cytogenetic location: 22q11.21.
Variant type: single nucleotide variant.
Coding change: c.793A>G on transcript NM_006440.5 (MANE Select); coding-DNA position 793, A replaced by G.
Protein change: p.Ile265Val; replaces isoleucine 265 with valine.
Molecular consequence: missense variant. On other transcripts: non-coding transcript variant (1).
Genome position (GRCh38, 1-based): chr22:19,895,563, T>C on the plus strand (A>G on the coding strand, the complement: TXNRD2 is on the minus strand). VCF-style: chr22-19895563-T-C. GRCh37 (hg19) VCF-style: chr22-19883086-T-C.
Other names: c.793A>G, p.Ile265Val (NM_001282512.3); c.790A>G, p.Ile264Val (NM_001352300.2); c.703A>G, p.Ile235Val (NM_001352301.2); c.505A>G, p.Ile169Val (NM_001352302.2); c.697A>G, p.Ile233Val (NM_001352303.2); short protein forms I264V, I169V, I235V, I265V, I233V.
Identifiers: ClinVar variation 5031549 (VCV005031549.1).
Genomic context (GRCh38, chr22:19,895,563, plus strand): 5'-TGACCCGCGAGGGGGCACAGCCCCTCAGGAACCGGGTGCCATGAGATGCCATGTGCTCTA[T>C]GACCATGGAGGACATTTGCTGCAAAGCACAAGAAGACAGGCCATGAAGACCAGGTGGCCG-3'
Protein context (NP_006431.2, residues 255-275): GFDQQMSSMV[Ile265Val]EHMASHGTRF